The following is an entry in ClinVar:

ClinVar aggregate classification (germline): Conflicting classifications of pathogenicity. Review status: criteria provided, conflicting classifications (1 of 4 stars). 3 submissions from 3 submitters: Likely pathogenic (2); Uncertain significance (1). Last evaluated 2025-06-02.

Conditions:
Hereditary cancer-predisposing syndrome. Also called: Neoplastic Syndromes, Hereditary; Tumor predisposition; Hereditary neoplastic syndrome; Hereditary Cancer Syndrome. Identifiers: Orphanet 140162, MedGen C0027672, MeSH D009386, MONDO:0015356.
Tuberous sclerosis syndrome (TSC). Also called: Tuberous Sclerosis Complex; Tuberous sclerosis. Identifiers: Orphanet 805, MedGen C0041341, MONDO:0001734.

Submissions (3):

Color Diagnostics, LLC DBA Color Health
Classification: Likely pathogenic for Tuberous sclerosis syndrome. Last evaluated: 2025-06-02. Review status: criteria provided, single submitter. Criteria: ACMG Guidelines, 2015. Collection method: clinical testing. Allele origin: germline.
Comment: This variant causes a T>A nucleotide substitution at the +2 position of intron 41 of the TSC2 gene. Splice site prediction tools suggest that this variant may have a significant impact on RNA splicing. Although this prediction has not been confirmed in published RNA studies, this variant is expected to result in an absent or disrupted protein product. This variant has not been reported in individuals affected with TSC2-related disorders in the literature. This variant has not been identified in the general population by the Genome Aggregation Database (gnomAD). Based on the available evidence, this variant is classified as Likely Pathogenic.

Ambry Genetics
Classification: Uncertain significance for Hereditary cancer-predisposing syndrome. Last evaluated: 2025-04-01. Review status: criteria provided, single submitter. Criteria: Ambry Variant Classification Scheme 2023. Collection method: clinical testing. Allele origin: germline.
Comment: The c.5259+2T>A intronic variant results from a T to A substitution two nucleotides after coding exon 40 in the TSC2 gene. This alteration occurs at the 3' terminus of the TSC2 gene, is not expected to trigger nonsense-mediated mRNA decay, and only impacts the last 3% of the protein. The exact functional effect of this alteration is unknown. This nucleotide position is highly conserved in available vertebrate species. In silico splice site analysis predicts that this alteration will weaken the native splice donor site and will result in the creation or strengthening of a novel splice donor site; however, direct evidence is insufficient at this time (Ambry internal data). Based on the available evidence, the clinical significance of this variant remains unclear.

Women's Health and Genetics/Laboratory Corporation of America, LabCorp
Classification: Likely pathogenic for Tuberous sclerosis syndrome. Last evaluated: 2025-03-24. Review status: criteria provided, single submitter. Criteria: LabCorp Variant Classification Summary - May 2015. Collection method: clinical testing. Allele origin: germline.
Comment: Variant summary: TSC2 c.5259+2T>A is located in a canonical splice-site and is predicted to affect mRNA splicing resulting in a significantly altered protein due to either exon skipping, shortening, or inclusion of intronic material. Variants that disrupt the consensus splice site are a relatively common cause of aberrant splicing and loss of TSC2 function. Several computational tools predict a significant impact on normal splicing: Three predict the variant abolishes a 5' splicing donor site. However, these predictions have yet to be confirmed by functional studies. The variant was absent in 249514 control chromosomes. To our knowledge, no occurrence of c.5259+2T>A in individuals affected with Tuberous Sclerosis Complex and no experimental evidence demonstrating its impact on protein function have been reported. No submitters have cited clinical-significance assessments for this variant to ClinVar. Based on the evidence outlined above, the variant was classified as likely pathogenic.

NM_000548.5(TSC2):c.5259+2T>A

Gene: TSC2 (TSC complex subunit 2; plus strand). Cytogenetic location: 16p13.3.
Variant type: single nucleotide variant.
Coding change: c.5259+2T>A on transcript NM_000548.5 (MANE Select); the canonical splice donor site of the intron after coding-DNA position 5259, T replaced by A.
Molecular consequence: splice donor variant.
Genome position (GRCh38, 1-based): chr16:2,088,327, T>A. VCF-style: chr16-2088327-T-A. GRCh37 (hg19) VCF-style: chr16-2138328-T-A.
Other names: c.5259+2T>A (NM_000548.3); c.3717+2T>A (NM_001406693.1, NM_001406692.1, NM_001406694.1); c.5151+2T>A (NM_001406667.1); c.5148+2T>A (NM_001406668.1); c.4659+2T>A (NM_001406680.1); c.4590+2T>A (NM_001406683.1, NM_001406682.1); c.4458+2T>A (NM_001406687.1, NM_001406688.1); c.3846+2T>A (NM_001406689.1); and 28 more.
Identifiers: ClinVar variation 3895996 (VCV003895996.3).
Genomic context (GRCh38, chr16:2,088,327, plus strand): 5'-ATATCTACCCCTCCAAGTGGATTGCCCGGCTCCGCCACATCAAGCGGCTCCGCCAGCGGG[T>A]AGGGAATATGGGGCTCCCTCAGCGGGGTGTGCTGGCTGCCCAAGCTGTGGGGCGGGTGTG-3'